The following is an entry in ClinVar:

NC_000007.14:g.156795955A>G

Genes: LMBR1 (limb development membrane protein 1; minus strand), SHH (sonic hedgehog signaling molecule; minus strand). Cytogenetic location: 7q36.3.
Variant type: single nucleotide variant.
Molecular consequence: intron variant (on NM_022458.4).
Genome position: GRCh38 VCF-style: chr7-156795955-A-G. GRCh37 (hg19) VCF-style: chr7-156588649-A-G.
Other names: c.-112+434T>C (NM_001350956.2, NM_001350955.2, NM_001363413.2 and 1 more transcripts); c.54+434T>C (NM_001350957.2, NM_001363411.2); c.360+434T>C (NM_001363412.2); c.144+434T>C (NM_001350954.2); c.423+434T>C (NM_001363410.2, NM_022458.4, NM_001363409.2 and 1 more transcripts).
Identifiers: ClinVar variation 2778273 (VCV002778273.3), dbSNP rs572781296, ClinGen allele CA169823953.

ClinVar aggregate classification (germline): Uncertain significance (1 of 4 stars; one submission).

Conditions:
Holoprosencephaly 3 (HPE3). Identifiers: Orphanet 2162, MedGen C1840529, MONDO:0007733, OMIM 142945.

Allele frequency attached by ClinVar (database versions not stated): 1000 Genomes Project 30x 0.00016; 1000 Genomes Project 0.00020.
gnomAD v4.1: 4 of 152,320 alleles (0.0026%); highest among the groups gnomAD compares: Non-Finnish European, 0.0059%; no homozygotes.

Submission:

Labcorp Genetics (formerly Invitae), Labcorp
Classification: Uncertain significance for Holoprosencephaly 3. Last evaluated: 2022-08-30. Review status: criteria provided, single submitter. Criteria: Invitae Variant Classification Sherloc (09022015). Collection method: clinical testing. Allele origin: germline.
Comment: This variant occurs in a non-coding region of the SHH gene. It does not change the encoded amino acid sequence of the SHH protein. This variant is present in population databases (rs572781296, gnomAD 0.01%). This variant has not been reported in the literature in individuals affected with SHH-related conditions. Experimental studies and prediction algorithms are not available or were not evaluated, and the effect of this variant on mRNA splicing is currently unknown. In summary, the available evidence is currently insufficient to determine the role of this variant in disease. Therefore, it has been classified as a Variant of Uncertain Significance.